The following is an entry in ClinVar:

ClinVar aggregate classification (germline): Uncertain significance (1 of 4 stars; one submission).

Submission:

Labcorp Genetics (formerly Invitae), Labcorp
Classification: Uncertain significance. Last evaluated: 2022-02-20. Review status: criteria provided, single submitter. Criteria: Invitae Variant Classification Sherloc (09022015). Collection method: clinical testing. Allele origin: germline.
Comment: In summary, the available evidence is currently insufficient to determine the role of this variant in disease. Therefore, it has been classified as a Variant of Uncertain Significance. Algorithms developed to predict the effect of missense changes on protein structure and function (SIFT, PolyPhen-2, Align-GVGD) all suggest that this variant is likely to be tolerated. This variant has not been reported in the literature in individuals affected with SZT2-related conditions. This variant is not present in population databases (gnomAD no frequency). This sequence change replaces proline, which is neutral and non-polar, with serine, which is neutral and polar, at codon 669 of the SZT2 protein (p.Pro669Ser).

NM_001365999.1(SZT2):c.2005C>T (p.Pro669Ser)

Gene: SZT2 (SZT2 subunit of KICSTOR complex; plus strand). Cytogenetic location: 1p34.2.
Variant type: single nucleotide variant.
Coding change: c.2005C>T on transcript NM_001365999.1 (MANE Select); coding-DNA position 2005, C replaced by T.
Protein change: p.Pro669Ser; replaces proline 669 with serine.
Molecular consequence: missense variant.
Genome position (GRCh38, 1-based): chr1:43,422,851, C>T. VCF-style: chr1-43422851-C-T. GRCh37 (hg19) VCF-style: chr1-43888522-C-T.
Other names: c.2005C>T, p.Pro669Ser (NM_015284.4); short protein forms P669S.
Identifiers: ClinVar variation 2099971 (VCV002099971.4), dbSNP rs2545808057, ClinGen allele CA340010729.